The following is an entry in ClinVar:

NM_006904.7(PRKDC):c.7660T>G (p.Phe2554Val)

Gene: PRKDC (protein kinase, DNA-activated, catalytic subunit; minus strand). Cytogenetic location: 8q11.21.
Variant type: single nucleotide variant.
Coding change: c.7660T>G on transcript NM_006904.7 (MANE Select); coding-DNA position 7660, T replaced by G.
Protein change: p.Phe2554Val; replaces phenylalanine 2554 with valine.
Molecular consequence: missense variant.
Genome position (GRCh38, 1-based): chr8:47,837,313, A>C on the plus strand (T>G on the coding strand, the complement: PRKDC is on the minus strand). VCF-style: chr8-47837313-A-C. GRCh37 (hg19) VCF-style: chr8-48749874-A-C.
Other names: c.7660T>G, p.Phe2554Val (NM_001081640.2); short protein forms F2554V.
Identifiers: ClinVar variation 3225914 (VCV003225914.1), dbSNP rs2551867508, ClinGen allele CA371152944.

ClinVar aggregate classification (germline): Uncertain significance (1 of 4 stars; one submission).

Submission:

Ambry Genetics
Classification: Uncertain significance. Last evaluated: 2023-12-22. Review status: criteria provided, single submitter. Criteria: Ambry Variant Classification Scheme 2023. Collection method: clinical testing. Allele origin: germline.
Comment: The p.F2554V variant (also known as c.7660T>G), located in coding exon 57 of the PRKDC gene, results from a T to G substitution at nucleotide position 7660. The phenylalanine at codon 2554 is replaced by valine, an amino acid with highly similar properties. This amino acid position is conserved. In addition, the in silico prediction for this alteration is inconclusive. Since supporting evidence is limited at this time, the clinical significance of this alteration remains unclear.